The following is an entry in ClinVar:

NM_030632.3(ASXL3):c.2858G>C (p.Arg953Thr)

Gene: ASXL3 (ASXL transcriptional regulator 3; plus strand). Cytogenetic location: 18q12.1.
Variant type: single nucleotide variant.
Coding change: c.2858G>C on transcript NM_030632.3 (MANE Select); coding-DNA position 2858, G replaced by C.
Protein change: p.Arg953Thr; replaces arginine 953 with threonine.
Molecular consequence: missense variant.
Genome position (GRCh38, 1-based): chr18:33,740,262, G>C. VCF-style: chr18-33740262-G-C. GRCh37 (hg19) VCF-style: chr18-31320226-G-C.
Other names: short protein forms R953T.
Identifiers: ClinVar variation 4680910 (VCV004680910.1).

ClinVar aggregate classification (germline): Uncertain significance (1 of 4 stars; one submission).

Submission:

GeneDx
Classification: Uncertain significance. Last evaluated: 2025-07-03. Review status: criteria provided, single submitter. Criteria: GeneDx Variant Classification Process June 2021. Collection method: clinical testing. Allele origin: germline. Affected: yes.
Comment: Not observed at significant frequency in large population cohorts (gnomAD); In silico analysis suggests that this missense variant does not alter protein structure/function; Has not been previously published as pathogenic or benign to our knowledge